The following is an entry in ClinVar:

ClinVar aggregate classification (germline): Likely pathogenic (1 of 4 stars; one submission).

Submission:

Dasa
Classification: Likely pathogenic. Last evaluated: 2025-01-14. Review status: criteria provided, single submitter. Criteria: DASA Assertion Criteria. Collection method: clinical testing. Allele origin: germline.
Comment: NM_001029896.2(WDR45):c.341+2T>A affects a canonical splice site and is predicted to disrupt normal RNA splicing. Loss of function is an established disease mechanism for WDR45 (PMID: 23435086; PMID: 23687123; PMID: 25044655). Also, this variant is absent from population databases. Based on the currently available evidence, this variant is classified as likely pathogenic.

Literature cited by the submitters: PubMed 23435086; PubMed 23687123; PubMed 25044655.

NM_001029896.2(WDR45):c.341+2T>A

Gene: WDR45 (WD repeat domain 45; minus strand). Cytogenetic location: Xp11.23.
Variant type: single nucleotide variant.
Coding change: c.341+2T>A on transcript NM_001029896.2 (MANE Select); the canonical splice donor site of the intron after coding-DNA position 341, T replaced by A.
Molecular consequence: splice donor variant.
Genome position (GRCh38, 1-based): chrX:49,076,643, A>T on the plus strand (T>A on the coding strand, the complement: WDR45 is on the minus strand). VCF-style: chrX-49076643-A-T. GRCh37 (hg19) VCF-style: chrX-48934302-A-T.
Other names: c.344+2T>A (NM_007075.4).
Identifiers: ClinVar variation 4882728 (VCV004882728.2).